The following is an entry in ClinVar:

NM_004629.2(FANCG):c.686T>C (p.Leu229Pro)

Gene: FANCG (FA complementation group G; minus strand). Cytogenetic location: 9p13.3.
Variant type: single nucleotide variant.
Coding change: c.686T>C on transcript NM_004629.2 (MANE Select); coding-DNA position 686, T replaced by C.
Protein change: p.Leu229Pro; replaces leucine 229 with proline.
Molecular consequence: missense variant.
Genome position (GRCh38, 1-based): chr9:35,077,062, A>G on the plus strand (T>C on the coding strand, the complement: FANCG is on the minus strand). VCF-style: chr9-35077062-A-G. GRCh37 (hg19) VCF-style: chr9-35077059-A-G.
Other names: short protein forms L229P.
Identifiers: ClinVar variation 1698639 (VCV001698639.1), dbSNP rs2131056621, ClinGen allele CA373313671.
Genomic context (GRCh38, chr9:35,077,062, plus strand): 5'-TACACCTGGACCAACACAGGCCGTGGACACAGGCCTGAGGCCGCTTCATGAAGGCTGCTT[A>G]GTGCCTTGTCTGGGTTCCCTGTGATCAGCTCCTGGAGACCTGAGGACAGTCAGGGTGTGA-3'
Protein context (NP_004620.1, residues 219-239): ELITGNPDKA[Leu229Pro]SSLHEAASGL

ClinVar aggregate classification (germline): Uncertain significance (1 of 4 stars; one submission).

Allele frequency attached by ClinVar (database versions not stated): gnomAD exomes below 0.00001.

Submission:

Women's Health and Genetics/Laboratory Corporation of America, LabCorp
Classification: Uncertain significance. Last evaluated: 2022-06-02. Review status: criteria provided, single submitter. Criteria: LabCorp Variant Classification Summary - May 2015. Collection method: clinical testing. Allele origin: germline.
Comment: Variant summary: FANCG c.686T>C (p.Leu229Pro) results in a non-conservative amino acid change in the encoded protein sequence. Four of five in-silico tools predict a damaging effect of the variant on protein function. The variant was absent in 251386 control chromosomes. c.686T>C has been reported in the literature as a non-informative genotype (second allele classified as likely benign) in an individual with refractory anemia without leukopenia or thrombocytopenia and no congenital malformations, a finding not consistent with a clinical diagnosis of Fanconi Anemia (example, Li_2018). These report(s) do not provide unequivocal conclusions about association of the variant with Fanconi Anemia. At least one publication reports experimental evidence evaluating an impact on protein function. The most pronounced variant effect results in a partial (approximately 30% of WT) loss of ability to restore resistance to treatment with mitomycin C (MMC) in-vitro (Li_2018). No clinical diagnostic laboratories have submitted clinical-significance assessments for this variant to ClinVar after 2014. Based on the evidence outlined above, the variant was classified as VUS-possibly pathogenic.

Literature cited by the submitters: PubMed 30031030.